The following is an entry in ClinVar:

ClinVar aggregate classification (germline): Likely benign (1 of 4 stars; one submission).

Conditions:
Long QT syndrome (LQTS). Identifiers: MedGen C0023976, MeSH D008133, MONDO:0002442. Disease mechanism: loss of function. Inheritance: Various modes of inheritance.

Submission:

All of Us Research Program, National Institutes of Health
Classification: Likely benign for Long QT syndrome. Last evaluated: 2023-05-04. Review status: criteria provided, single submitter. Criteria: ACMG Guidelines, 2015. Collection method: clinical testing. Allele origin: germline. Inheritance: Autosomal dominant inheritance. Observed: 1 variant allele, 1 heterozygote.
Comment: This study involves interpretation of variants in research participants for the purpose of population health screening. Participant phenotype was not available at the time of variant classification. Additional details can be found in publication PMID: 35346344, PMCID: PMC8962531

NM_000238.4(KCNH2):c.1527C>T (p.Asp509=)

Gene: KCNH2 (potassium voltage-gated channel subfamily H member 2; minus strand). Cytogenetic location: 7q36.1.
Variant type: single nucleotide variant.
Coding change: c.1527C>T on transcript NM_000238.4 (MANE Select); coding-DNA position 1527, C replaced by T.
Protein change: p.Asp509=; no amino-acid change (aspartic acid 509 retained).
Molecular consequence: synonymous variant. On other transcripts: non-coding transcript variant (2).
Genome position (GRCh38, 1-based): chr7:150,952,455, G>A on the plus strand (C>T on the coding strand, the complement: KCNH2 is on the minus strand). VCF-style: chr7-150952455-G-A. GRCh37 (hg19) VCF-style: chr7-150649543-G-A.
Other names: c.507C>T, p.Asp169= (NM_001204798.2, NM_172057.3); c.1239C>T, p.Asp413= (NM_001406753.1, NM_001406756.1); c.1350C>T, p.Asp450= (NM_001406755.1); c.1227C>T, p.Asp409= (NM_001406757.1); c.1527C>T, p.Asp509= (NM_172056.3).
Identifiers: ClinVar variation 3070852 (VCV003070852.1), dbSNP rs2486045666, ClinGen allele CA458871590.